The following is an entry in ClinVar:

NM_001365536.1(SCN9A):c.5065A>T (p.Ile1689Phe)

Genes: SCN1A-AS1 (SCN1A and SCN9A antisense RNA 1; plus strand), SCN9A (sodium voltage-gated channel alpha subunit 9; minus strand). Cytogenetic location: 2q24.3.
Variant type: single nucleotide variant.
Coding change: c.5065A>T on transcript NM_001365536.1 (MANE Select); coding-DNA position 5065, A replaced by T.
Protein change: p.Ile1689Phe; replaces isoleucine 1689 with phenylalanine.
Molecular consequence: missense variant.
Genome position (GRCh38, 1-based): chr2:166,199,574, T>A on the plus strand (A>T on the coding strand, the complement: SCN9A is on the minus strand). VCF-style: chr2-166199574-T-A. GRCh37 (hg19) VCF-style: chr2-167056084-T-A.
Other names: c.5032A>T, p.Ile1678Phe (NM_002977.4); short protein forms I1678F, I1689F.
Identifiers: ClinVar variation 4071603 (VCV004071603.1).

ClinVar aggregate classification (germline): Uncertain significance (1 of 4 stars; one submission).

Submission:

GeneDx
Classification: Uncertain significance. Last evaluated: 2025-01-24. Review status: criteria provided, single submitter. Criteria: GeneDx Variant Classification Process June 2021. Collection method: clinical testing. Allele origin: germline. Affected: yes.
Comment: Not observed at significant frequency in large population cohorts (gnomAD); In silico analysis supports that this missense variant has a deleterious effect on protein structure/function; Has not been previously published as pathogenic or benign to our knowledge